The following is an entry in ClinVar:

ClinVar aggregate classification (germline): Uncertain significance (1 of 4 stars; one submission).

Submission:

Ambry Genetics
Classification: Uncertain significance. Last evaluated: 2025-03-02. Review status: criteria provided, single submitter. Criteria: Ambry Variant Classification Scheme 2023. Collection method: clinical testing. Allele origin: germline.
Comment: The p.L410F variant (also known as c.1228C>T), located in coding exon 8 of the ATRIP gene, results from a C to T substitution at nucleotide position 1228. The leucine at codon 410 is replaced by phenylalanine, an amino acid with highly similar properties. This amino acid position is conserved. In addition, the in silico prediction for this alteration is inconclusive. Based on the available evidence, the clinical significance of this variant remains unclear.

NM_130384.3(ATRIP):c.1228C>T (p.Leu410Phe)

Genes: ATRIP (ATR interacting protein; plus strand), ATRIP-TREX1 (ATRIP-TREX1 readthrough; plus strand). Cytogenetic location: 3p21.31.
Variant type: single nucleotide variant.
Coding change: c.1228C>T on transcript NM_130384.3 (MANE Select); coding-DNA position 1228, C replaced by T.
Protein change: p.Leu410Phe; replaces leucine 410 with phenylalanine.
Molecular consequence: missense variant. On other transcripts: non-coding transcript variant (1).
Genome position (GRCh38, 1-based): chr3:48,460,282, C>T. VCF-style: chr3-48460282-C-T. GRCh37 (hg19) VCF-style: chr3-48501681-C-T.
Other names: c.847C>T, p.Leu283Phe (NM_001271022.2); c.949C>T, p.Leu317Phe (NM_001271023.2); c.1228C>T, p.Leu410Phe (NM_032166.4); short protein forms L317F, L283F, L410F.
Identifiers: ClinVar variation 3811105 (VCV003811105.1).